The following is an entry in ClinVar:

NM_001355436.2(SPTB):c.2440C>G (p.Arg814Gly)

Gene: SPTB (spectrin beta, erythrocytic; minus strand). Cytogenetic location: 14q23.3.
Variant type: single nucleotide variant.
Coding change: c.2440C>G on transcript NM_001355436.2 (MANE Select); coding-DNA position 2440, C replaced by G.
Protein change: p.Arg814Gly; replaces arginine 814 with glycine.
Molecular consequence: missense variant.
Genome position (GRCh38, 1-based): chr14:64,793,223, G>C on the plus strand (C>G on the coding strand, the complement: SPTB is on the minus strand). VCF-style: chr14-64793223-G-C. GRCh37 (hg19) VCF-style: chr14-65259941-G-C.
Other names: NM_000347.5:c.2440C>G; c.2440C>G, p.Arg814Gly (NM_001024858.4, NM_001355437.2); short protein forms R814G.
Identifiers: ClinVar variation 3448953 (VCV003448953.2).

ClinVar aggregate classification (germline): Uncertain significance. Review status: criteria provided, multiple submitters, no conflicts (2 of 4 stars). 2 submissions from 2 submitters: Uncertain significance (2). Last evaluated 2025-04-23.

Conditions:
Inborn genetic diseases. Identifiers: MedGen C0950123, MeSH D030342.

gnomAD v4.1: 14 of 1,611,002 alleles (0.00087%); highest among the groups gnomAD compares: African/African-American, 0.017%; no homozygotes.

Submissions (2):

Labcorp Genetics (formerly Invitae), Labcorp
Classification: Uncertain significance. Last evaluated: 2025-04-23. Review status: criteria provided, single submitter. Criteria: Invitae Variant Classification Sherloc (09022015). Collection method: clinical testing. Allele origin: germline.
Comment: This sequence change replaces arginine, which is basic and polar, with glycine, which is neutral and non-polar, at codon 814 of the SPTB protein (p.Arg814Gly). This variant is present in population databases (rs148718822, gnomAD 0.02%). This variant has not been reported in the literature in individuals affected with SPTB-related conditions. ClinVar contains an entry for this variant (Variation ID: 3448953). An algorithm developed to predict the effect of missense changes on protein structure and function (PolyPhen-2) suggests that this variant is likely to be disruptive. In summary, the available evidence is currently insufficient to determine the role of this variant in disease. Therefore, it has been classified as a Variant of Uncertain Significance.

Ambry Genetics
Classification: Uncertain significance for Inborn genetic diseases. Last evaluated: 2024-10-20. Review status: criteria provided, single submitter. Criteria: Ambry Variant Classification Scheme 2023. Collection method: clinical testing. Allele origin: germline.